The following is an entry in ClinVar:

NM_001142800.2(EYS):c.9261dup (p.Gly3088fs)

Genes: EYS (EGF-like photoreceptor maintenance factor; minus strand), PHF3 (PHD finger protein 3; plus strand). Cytogenetic location: 6q12.
Variant type: Duplication.
Coding change: c.9261dup on transcript NM_001142800.2 (MANE Select); coding-DNA position 9261, one base duplicated (A; older notation c.9261dupA).
Protein change: p.Gly3088fs; shifts the reading frame from glycine 3088.
Molecular consequence: frameshift variant. On other transcripts: 3 prime UTR variant (5).
Genome position (GRCh38, 1-based): chr6:63,720,770, T duplicated on the plus strand (A on the coding strand, the reverse complement: EYS is on the minus strand). VCF-style (leftmost placement, unchanged base first): chr6-63720769-C-CT. GRCh37 (hg19) VCF-style: chr6-64430665-C-CT.
Other names: c.*7062dup (NM_001290259.2, NM_001370348.2, NM_001370349.2 and 2 more transcripts); c.9324dup, p.Gly3109fs (NM_001292009.2); short protein forms G3109fs, G3088fs.
Identifiers: ClinVar variation 866400 (VCV000866400.8), dbSNP rs1768346880, ClinGen allele CA916082851.

ClinVar aggregate classification (germline): Pathogenic/Likely pathogenic. Review status: criteria provided, multiple submitters, no conflicts (2 of 4 stars). 3 submissions from 3 submitters: Pathogenic (1); Likely pathogenic (2). Last evaluated 2024-01-04.

Conditions:
Retinitis pigmentosa 25 (RP25). Identifiers: Orphanet 791, MedGen C1864446, MONDO:0011272, OMIM 602772.
EYS-related disorder. Also called: EYS-related condition.

Submissions (3):

Labcorp Genetics (formerly Invitae), Labcorp
Classification: Pathogenic. Last evaluated: 2024-01-04. Review status: criteria provided, single submitter. Criteria: Invitae Variant Classification Sherloc (09022015). Collection method: clinical testing. Allele origin: germline.
Comment: This sequence change creates a premature translational stop signal (p.Gly3088Argfs*4) in the EYS gene. While this is not anticipated to result in nonsense mediated decay, it is expected to disrupt the last 57 amino acid(s) of the EYS protein. This variant is not present in population databases (gnomAD no frequency). This variant has not been reported in the literature in individuals affected with EYS-related conditions. ClinVar contains an entry for this variant (Variation ID: 866400). This variant disrupts a region of the EYS protein in which other variant(s) (p.Tyr3135*) have been determined to be pathogenic (PMID: 18976725, 29159838, 30337596, 31074760). This suggests that this is a clinically significant region of the protein, and that variants that disrupt it are likely to be disease-causing. For these reasons, this variant has been classified as Pathogenic.

Fulgent Genetics
Classification: Likely pathogenic for Retinitis pigmentosa 25. Last evaluated: 2024-01-03. Review status: criteria provided, single submitter. Criteria: ACMG Guidelines, 2015. Collection method: clinical testing. Allele origin: germline.

Blueprint Genetics
Classification: Likely pathogenic for EYS-related disorders. Last evaluated: 2019-07-16. Review status: criteria provided, single submitter. Criteria: ACMG Guidelines, 2015. Collection method: clinical testing. Allele origin: germline. Affected: yes. Observed: 1 variant allele.

Literature cited by the submitters: PubMed 18976725 (cited by Labcorp Genetics (formerly Invitae), Labcorp); PubMed 29159838 (cited by Labcorp Genetics (formerly Invitae), Labcorp); PubMed 30337596 (cited by Labcorp Genetics (formerly Invitae), Labcorp); PubMed 31074760 (cited by Labcorp Genetics (formerly Invitae), Labcorp).